The following is an entry in ClinVar:

NC_000023.10:g.(?_39916388)_(39937202_?)del

Gene: BCOR (BCL6 corepressor; minus strand). Cytogenetic location: Xp11.4.
Variant type: Deletion.
Identifiers: ClinVar variation 1070616 (VCV001070616.7).

ClinVar aggregate classification (germline): Pathogenic (1 of 4 stars; one submission).

Conditions:
Oculofaciocardiodental syndrome (MCOPS2). Identifiers: Orphanet 2712, MedGen C1846265, MONDO:0010261, OMIM 300166.

Submission:

Labcorp Genetics (formerly Invitae), Labcorp
Classification: Pathogenic for Oculofaciocardiodental syndrome. Last evaluated: 2016-11-01. Review status: criteria provided, single submitter. Criteria: Invitae Variant Classification Sherloc (09022015). Collection method: clinical testing. Allele origin: germline.
Comment: For these reasons, this variant has been classified as Pathogenic. While this particular variant has not been reported in the literature, loss-of-function variants in BCOR are known to be pathogenic (PMID: 19367324). This variant is a gross deletion of the genomic region encompassing exons 2-11 of the BCOR gene, which includes the initiator codon. The 5' end of this event is unknown as it extends beyond the assayed region for this gene and therefore may encompass the non-coding exon 1 and/or additional genes. The 3' boundary is likely confined to intron 11 of the BCOR gene. This is expected to result in an absent or disrupted protein product.

Literature cited by the submitters: PubMed 19367324.